The following is an entry in ClinVar:

NM_022455.5(NSD1):c.4676_4677dup (p.Ala1560fs)

Gene: NSD1 (nuclear receptor binding SET domain protein 1; plus strand). Cytogenetic location: 5q35.3.
Variant type: Duplication.
Coding change: c.4676_4677dup on transcript NM_022455.5 (MANE Select); coding-DNA positions 4676 to 4677, 2 bases duplicated (AG; older notation c.4676_4677dupAG).
Protein change: p.Ala1560fs; shifts the reading frame from alanine 1560.
Molecular consequence: frameshift variant.
Genome position (GRCh38, 1-based): chr5:177,251,764-177,251,765, AG duplicated; duplicating any 2 consecutive bases within chr5:177,251,763-177,251,765 gives the same sequence; the c. name uses the placement nearest the transcript's 3' end. VCF-style (leftmost placement, unchanged base first): chr5-177251762-T-TGA. GRCh37 (hg19) VCF-style: chr5-176678763-T-TGA.
Other names: c.3803_3804dup, p.Ala1269fs (NM_001365684.2, NM_001409306.1, NM_001409307.1 and 3 more transcripts); c.4676_4677dup, p.Ala1560fs (NM_001409301.1, NM_001409302.1, NM_001409303.1); c.4256_4257dup, p.Ala1420fs (NM_001409304.1); c.3923_3924dup, p.Ala1309fs (NM_001409305.1); short protein forms A1420fs, A1309fs, A1269fs, A1560fs.
Identifiers: ClinVar variation 3672886 (VCV003672886.2).

ClinVar aggregate classification (germline): Pathogenic (1 of 4 stars; one submission).

Submission:

Labcorp Genetics (formerly Invitae), Labcorp
Classification: Pathogenic. Last evaluated: 2023-09-29. Review status: criteria provided, single submitter. Criteria: Invitae Variant Classification Sherloc (09022015). Collection method: clinical testing. Allele origin: germline.
Comment: This sequence change creates a premature translational stop signal (p.Ala1560Argfs*15) in the NSD1 gene. It is expected to result in an absent or disrupted protein product. Loss-of-function variants in NSD1 are known to be pathogenic (PMID: 12464997, 14571271, 15942875, 16247291). This variant is not present in population databases (gnomAD no frequency). This variant has not been reported in the literature in individuals affected with NSD1-related conditions. For these reasons, this variant has been classified as Pathogenic.

Literature cited by the submitters: PubMed 12464997; PubMed 14571271; PubMed 15942875; PubMed 16247291.